The following is an entry in ClinVar:

NM_020800.3(IFT80):c.612A>T (p.Leu204Phe)

Genes: IFT80 (intraflagellar transport 80; minus strand), TRIM59-IFT80 (TRIM59-IFT80 readthrough (NMD candidate); minus strand). Cytogenetic location: 3q25.33.
Variant type: single nucleotide variant.
Coding change: c.612A>T on transcript NM_020800.3 (MANE Select); coding-DNA position 612, A replaced by T.
Protein change: p.Leu204Phe; replaces leucine 204 with phenylalanine.
Molecular consequence: missense variant. On other transcripts: non-coding transcript variant (3).
Genome position (GRCh38, 1-based): chr3:160,357,516, T>A on the plus strand (A>T on the coding strand, the complement: IFT80 is on the minus strand). VCF-style: chr3-160357516-T-A. GRCh37 (hg19) VCF-style: chr3-160075304-T-A.
Other names: c.201A>T, p.Leu67Phe (NM_001190241.2, NM_001190242.2); short protein forms L67F, L204F.
Identifiers: ClinVar variation 1378987 (VCV001378987.6), dbSNP rs1359553849, ClinGen allele CA355193032.

ClinVar aggregate classification (germline): Uncertain significance (1 of 4 stars; one submission).

Conditions:
Jeune thoracic dystrophy. Also called: Jeune syndrome; Infantile thoracic dystrophy; Thoracic pelvic phalangeal dystrophy; Jeune's syndrome; Chondroectodermal dysplasia-like syndrome; Short-rib thoracic dysplasia. Identifiers: Orphanet 474, MedGen C0265275, MONDO:0018770.

gnomAD v4.1: 1 of 1,585,038 alleles (0.000063%); highest among the groups gnomAD compares: Non-Finnish European, 0.000087%; no homozygotes.

Submission:

Labcorp Genetics (formerly Invitae), Labcorp
Classification: Uncertain significance for Jeune thoracic dystrophy. Last evaluated: 2021-09-01. Review status: criteria provided, single submitter. Criteria: Invitae Variant Classification Sherloc (09022015). Collection method: clinical testing. Allele origin: germline.
Comment: In summary, the available evidence is currently insufficient to determine the role of this variant in disease. Therefore, it has been classified as a Variant of Uncertain Significance. Algorithms developed to predict the effect of missense changes on protein structure and function are either unavailable or do not agree on the potential impact of this missense change (SIFT: "Tolerated"; PolyPhen-2: "Possibly Damaging"; Align-GVGD: "Class C0"). This variant has not been reported in the literature in individuals affected with IFT80-related conditions. This variant is not present in population databases (ExAC no frequency). This sequence change replaces leucine with phenylalanine at codon 204 of the IFT80 protein (p.Leu204Phe). The leucine residue is highly conserved and there is a small physicochemical difference between leucine and phenylalanine.